The following is an entry in ClinVar:

ClinVar aggregate classification (germline): Uncertain significance (1 of 4 stars; one submission).

Conditions:
Ataxia-telangiectasia syndrome (AT). Also called: LOUIS-BAR SYNDROME; Cerebello-oculocutaneous telangiectasia; Immunodeficiency with ataxia telangiectasia; AT, COMPLEMENTATION GROUP C; Ataxia-telangiectasia, complementation group D; ATAXIA-TELANGIECTASIA, COMPLEMENTATION GROUP A. Identifiers: Orphanet 100, MedGen C0004135, MONDO:0008840, OMIM 208900.

Submission:

Labcorp Genetics (formerly Invitae), Labcorp
Classification: Uncertain significance for Ataxia-telangiectasia syndrome. Last evaluated: 2023-03-22. Review status: criteria provided, single submitter. Criteria: Invitae Variant Classification Sherloc (09022015). Collection method: clinical testing. Allele origin: unknown.
Comment: In summary, the available evidence is currently insufficient to determine the role of this variant in disease. Therefore, it has been classified as a Variant of Uncertain Significance. Experimental studies and prediction algorithms are not available or were not evaluated, and the functional significance of this variant is currently unknown. This variant has not been reported in the literature in individuals affected with ATM-related conditions. This variant results in a copy number gain of the genomic region encompassing exon(s) 34-37 of the ATM gene. While the exact position of this variant cannot be determined from the data, sub-genic copy number gains are generally in tandem (PMID: 25640679). This variant is predicted to be in-frame, and likely preserves the integrity of the reading frame.

Literature cited by the submitters: PubMed 25640679.

NC_000011.9:g.(?_108170431)_(108175589_?)dup

Gene: ATM (ATM serine/threonine kinase; plus strand). Cytogenetic location: 11q22.3.
Variant type: Duplication.
Identifiers: ClinVar variation 3244500 (VCV003244500.1).